The following is an entry in ClinVar:

ClinVar aggregate classification (germline): Uncertain significance (1 of 4 stars; one submission).

Submission:

Labcorp Genetics (formerly Invitae), Labcorp
Classification: Uncertain significance. Last evaluated: 2024-10-26. Review status: criteria provided, single submitter. Criteria: Invitae Variant Classification Sherloc (09022015). Collection method: clinical testing. Allele origin: germline.
Comment: This sequence change replaces proline, which is neutral and non-polar, with histidine, which is basic and polar, at codon 42 of the CRAT protein (p.Pro42His). This variant is not present in population databases (gnomAD no frequency). This variant has not been reported in the literature in individuals affected with CRAT-related conditions. Invitae Evidence Modeling of protein sequence and biophysical properties (such as structural, functional, and spatial information, amino acid conservation, physicochemical variation, residue mobility, and thermodynamic stability) has been performed for this missense variant. However, the output from this modeling did not meet the statistical confidence thresholds required to predict the impact of this variant on CRAT protein function. In summary, the available evidence is currently insufficient to determine the role of this variant in disease. Therefore, it has been classified as a Variant of Uncertain Significance.

NM_000755.5(CRAT):c.125C>A (p.Pro42His)

Gene: CRAT (carnitine O-acetyltransferase; minus strand). Cytogenetic location: 9q34.11.
Variant type: single nucleotide variant.
Coding change: c.125C>A on transcript NM_000755.5 (MANE Select); coding-DNA position 125, C replaced by A.
Protein change: p.Pro42His; replaces proline 42 with histidine.
Molecular consequence: missense variant.
Genome position (GRCh38, 1-based): chr9:129,107,980, G>T on the plus strand (C>A on the coding strand, the complement: CRAT is on the minus strand). VCF-style: chr9-129107980-G-T. GRCh37 (hg19) VCF-style: chr9-131870259-G-T.
Other names: c.62C>A, p.Pro21His (NM_001257363.3, NM_001346548.2, NM_004003.4); c.128C>A, p.Pro43His (NM_001346546.2); c.125C>A, p.Pro42His (NM_001346547.2, NM_001346549.2); short protein forms P42H, P21H, P43H.
Identifiers: ClinVar variation 2986357 (VCV002986357.3), dbSNP rs2490818614, ClinGen allele CA375109126.